The following is an entry in ClinVar:

NM_024496.4(IRF2BPL):c.759C>T (p.Pro253=)

Gene: IRF2BPL (interferon regulatory factor 2 binding protein like; minus strand). Cytogenetic location: 14q24.3.
Variant type: single nucleotide variant.
Coding change: c.759C>T on transcript NM_024496.4 (MANE Select); coding-DNA position 759, C replaced by T.
Protein change: p.Pro253=; no amino-acid change (proline 253 retained).
Molecular consequence: synonymous variant.
Genome position (GRCh38, 1-based): chr14:77,027,034, G>A on the plus strand (C>T on the coding strand, the complement: IRF2BPL is on the minus strand). VCF-style: chr14-77027034-G-A. GRCh37 (hg19) VCF-style: chr14-77493377-G-A.
Identifiers: ClinVar variation 3357870 (VCV003357870.1).
Genomic context (GRCh38, chr14:77,027,034, plus strand): 5'-TGGGGGGAGTACCGCAGCGCTGGCCGGGCCGTTAAGCAGCGTCTGCGGTAGCAGGTTGGG[G>A]GGCACGGTGAGCTGGGGGCCTCCGCCACCCCCCGGGTTGGGCAGCCCCGTAACCAGCCCA-3'
Protein context (NP_078772.1, residues 243-263): GGGGGPQLTV[Pro253=]PNLLPQTLLN

ClinVar aggregate classification (germline): Likely benign (0 of 4 stars; one submission).

Conditions:
IRF2BPL-related disorder. Also called: IRF2BPL-related condition. Identifiers: MedGen CN381093.

Submission:

PreventionGenetics, part of Exact Sciences
Classification: Likely benign for IRF2BPL-related condition. Last evaluated: 2024-06-21. Review status: no assertion criteria provided. Collection method: clinical testing. Allele origin: germline.
Comment: This variant is classified as likely benign based on ACMG/AMP sequence variant interpretation guidelines (Richards et al. 2015 PMID: 25741868, with internal and published modifications).